The following is an entry in ClinVar:

ClinVar aggregate classification (germline): Uncertain significance (1 of 4 stars; one submission).

Submission:

Dasa
Classification: Uncertain significance. Last evaluated: 2025-10-19. Review status: criteria provided, single submitter. Criteria: DASA Assertion Criteria. Collection method: clinical testing. Allele origin: germline.
Comment: NM_001318852.2(MAPK8IP3):c.3950C>A (p.Pro1317His) is a missense variant that results in the substitution of proline with histidine. This variant is absent from population databases. Computational prediction algorithms are consistent with a benign effect. The currently available literature and clinical evidence are not sufficient to establish a definitive association between this variant and the reported condition. Therefore, this variant is classified as a variant of uncertain significance.

NM_001318852.2(MAPK8IP3):c.3950C>A (p.Pro1317His)

Gene: MAPK8IP3 (mitogen-activated protein kinase 8 interacting protein 3; plus strand). Cytogenetic location: 16p13.3.
Variant type: single nucleotide variant.
Coding change: c.3950C>A on transcript NM_001318852.2 (MANE Select); coding-DNA position 3950, C replaced by A.
Protein change: p.Pro1317His; replaces proline 1317 with histidine.
Molecular consequence: missense variant.
Genome position (GRCh38, 1-based): chr16:1,768,760, C>A. VCF-style: chr16-1768760-C-A. GRCh37 (hg19) VCF-style: chr16-1818761-C-A.
Other names: c.3929C>A, p.Pro1310His (NM_001040439.2); c.3947C>A, p.Pro1316His (NM_015133.5); short protein forms P1310H, P1316H, P1317H.
Identifiers: ClinVar variation 4880883 (VCV004880883.2).